The following is an entry in ClinVar:

NC_000020.11:g.(?_63493117)_(63528152_?)del

Genes: EEF1A2 (eukaryotic translation elongation factor 1 alpha 2; minus strand), PPDPF (pancreatic progenitor cell differentiation and proliferation factor; plus strand). Cytogenetic location: 20q13.33.
Variant type: Deletion.
Identifiers: ClinVar variation 831837 (VCV000831837.8).

ClinVar aggregate classification (germline): Uncertain significance (1 of 4 stars; one submission).

Conditions:
Developmental and epileptic encephalopathy, 33 (DEE33). Also called: Epileptic encephalopathy, early infantile, 33. Identifiers: Orphanet 442835, MedGen C4225337, MONDO:0014625, OMIM 616409.

Submission:

Labcorp Genetics (formerly Invitae), Labcorp
Classification: Uncertain significance for Developmental and epileptic encephalopathy, 33. Last evaluated: 2022-07-05. Review status: criteria provided, single submitter. Criteria: Invitae Variant Classification Sherloc (09022015). Collection method: clinical testing. Allele origin: germline.
Comment: In summary, the available evidence is currently insufficient to determine the role of this variant in disease. Therefore, it has been classified as a Variant of Uncertain Significance. This variant has not been reported in the literature in individuals affected with EEF1A2-related conditions. This variant is a gross deletion of the genomic region encompassing exon(s) 1-5 of the EEF1A2 gene, which includes the initiator codon. This deletion extends beyond the assayed region for this gene and therefore may encompass additional genes. It is expected to result in an absent or disrupted protein product. However, the current clinical and genetic evidence is not sufficient to establish whether loss-of-function variants in EEF1A2 cause disease.